The following is an entry in ClinVar:

ClinVar aggregate classification (germline): Pathogenic. Review status: criteria provided, single submitter (1 of 4 stars). 2 submissions from 2 submitters: Pathogenic (1). 1 of the submissions does not count toward it.

Conditions:
Amyloidosis, primary localized cutaneous, 3. Also called: AMYLOIDOSIS CUTIS DYSCHROMICA. Identifiers: MedGen C4554421, MONDO:0054765, OMIM 617920.

Submissions (2):

Juno Genomics, Hangzhou Juno Genomics, Inc
Classification: Pathogenic for Amyloidosis, primary localized cutaneous, 3. Review status: criteria provided, single submitter. Criteria: ACMG Guidelines, 2015. Collection method: clinical testing. Allele origin: germline. Affected: yes.
Comment: Null variant in a gene where loss of function (LOF) is a known mechanism of disease.;For recessive disorders, detected in trans with a pathogenic variant.;Absent from controls (or at extremely low frequency if recessive) in Genome Aggregation Database, Exome Sequencing Project, 1000 Genomes Project, or Exome Aggregation Consortium.

OMIM
Classification: Pathogenic for AMYLOIDOSIS, PRIMARY LOCALIZED CUTANEOUS, 3. Last evaluated: 2018-03-27. Review status: no assertion criteria provided. Collection method: literature only. Allele origin: germline. Not counted in ClinVar's aggregate classification.

Literature cited by the submitters: PubMed 19416385 (cited by OMIM); PubMed 29336782 (cited by OMIM).

NM_002510.3(GPNMB):c.1056del (p.Pro353fs)

Gene: GPNMB (glycoprotein nmb; plus strand). Cytogenetic location: 7p15.3.
Variant type: Deletion.
Coding change: c.1056del on transcript NM_002510.3 (MANE Select); coding-DNA position 1056, one base deleted (T; older notation c.1056delT).
Protein change: p.Pro353fs; shifts the reading frame from proline 353.
Molecular consequence: frameshift variant.
Genome position (GRCh38, 1-based): chr7:23,266,554, T deleted; the last of 2 consecutive T bases (chr7:23,266,553-23,266,554); deleting either gives the same sequence. VCF-style (leftmost placement, unchanged base first): chr7-23266552-AT-A. GRCh37 (hg19) VCF-style: chr7-23306171-AT-A.
Other names: c.1092del, p.Pro365fs (NM_001005340.2); short protein forms P353fs, P365fs.
Identifiers: ClinVar variation 503499 (VCV000503499.3), dbSNP rs763065333, ClinGen allele CA4187613.